The following is an entry in ClinVar:

ClinVar aggregate classification (germline): Uncertain significance (1 of 4 stars; one submission).

Allele frequency attached by ClinVar (database versions not stated): TOPMed 0.00006; ExAC 0.00008; gnomAD 0.00009; 1000 Genomes Project 0.00020; 1000 Genomes Project 30x 0.00031.
gnomAD v4.1: 57 of 1,613,974 alleles (0.0035%); highest among the groups gnomAD compares: African/African-American, 0.023%; no homozygotes.

Submission:

Labcorp Genetics (formerly Invitae), Labcorp
Classification: Uncertain significance. Last evaluated: 2024-11-04. Review status: criteria provided, single submitter. Criteria: Invitae Variant Classification Sherloc (09022015). Collection method: clinical testing. Allele origin: germline.
Comment: This sequence change replaces arginine, which is basic and polar, with cysteine, which is neutral and slightly polar, at codon 841 of the C6 protein (p.Arg841Cys). This variant is present in population databases (rs187593836, gnomAD 0.02%). This variant has not been reported in the literature in individuals affected with C6-related conditions. ClinVar contains an entry for this variant (Variation ID: 1478146). An algorithm developed to predict the effect of missense changes on protein structure and function (PolyPhen-2) suggests that this variant is likely to be tolerated. In summary, the available evidence is currently insufficient to determine the role of this variant in disease. Therefore, it has been classified as a Variant of Uncertain Significance.

NM_000065.5(C6):c.2521C>T (p.Arg841Cys)

Gene: C6 (complement C6; minus strand). Cytogenetic location: 5p13.1.
Variant type: single nucleotide variant.
Coding change: c.2521C>T on transcript NM_000065.5 (MANE Select); coding-DNA position 2521, C replaced by T.
Protein change: p.Arg841Cys; replaces arginine 841 with cysteine.
Molecular consequence: missense variant.
Genome position (GRCh38, 1-based): chr5:41,149,343, G>A on the plus strand (C>T on the coding strand, the complement: C6 is on the minus strand). VCF-style: chr5-41149343-G-A. GRCh37 (hg19) VCF-style: chr5-41149445-G-A.
Other names: c.2521C>T, p.Arg841Cys (NM_001115131.4); short protein forms R841C.
Identifiers: ClinVar variation 1478146 (VCV001478146.6), dbSNP rs187593836, ClinGen allele CA3252088.